The following is an entry in ClinVar:

ClinVar aggregate classification (germline): Uncertain significance (1 of 4 stars; one submission).

Conditions:
Familial thoracic aortic aneurysm and aortic dissection (TAAD). Also called: Thoracic aortic aneurysms and dissections. Identifiers: Orphanet 91387, MedGen C4707243, MONDO:0019625.

Submission:

Color Diagnostics, LLC DBA Color Health
Classification: Uncertain significance for Familial thoracic aortic aneurysm and aortic dissection. Last evaluated: 2025-09-29. Review status: criteria provided, single submitter. Criteria: ACMG Guidelines, 2015. Collection method: clinical testing. Allele origin: germline.
Comment: This missense variant replaces asparagine with tyrosine at codon 1469 of the MYH11 protein. Computational prediction is inconclusive regarding the impact of this variant on protein structure and function. To our knowledge, functional studies have not been reported for this variant. This variant has not been reported in individuals affected with MYH11-related disorders in the literature. This variant has not been identified in the general population by the Genome Aggregation Database (gnomAD). The available evidence is insufficient to determine the role of this variant in disease conclusively. Therefore, this variant is classified as a Variant of Uncertain Significance.

NM_002474.3(MYH11):c.4384A>T (p.Asn1462Tyr)

Genes: MYH11 (myosin heavy chain 11; minus strand), NDE1 (nudE neurodevelopment protein 1; plus strand). Cytogenetic location: 16p13.11.
Variant type: single nucleotide variant.
Coding change: c.4384A>T on transcript NM_002474.3 (MANE Select); coding-DNA position 4384, A replaced by T.
Protein change: p.Asn1462Tyr; replaces asparagine 1462 with tyrosine.
Molecular consequence: missense variant. On other transcripts: intron variant (2).
Genome position (GRCh38, 1-based): chr16:15,721,616, T>A on the plus strand (A>T on the coding strand, the complement: MYH11 is on the minus strand). VCF-style: chr16-15721616-T-A. GRCh37 (hg19) VCF-style: chr16-15815473-T-A.
Other names: c.4405A>T, p.Asn1469Tyr (NM_001040113.2, NM_001040114.2); c.4384A>T, p.Asn1462Tyr (NM_022844.3); c.948-2575T>A (NM_001143979.2, NM_017668.3); short protein forms N1462Y, N1469Y.
Identifiers: ClinVar variation 4758095 (VCV004758095.1).